The following is an entry in ClinVar:

ClinVar aggregate classification (germline): Uncertain significance (1 of 4 stars; one submission).

Submission:

Labcorp Genetics (formerly Invitae), Labcorp
Classification: Uncertain significance. Last evaluated: 2023-06-17. Review status: criteria provided, single submitter. Criteria: Invitae Variant Classification Sherloc (09022015). Collection method: clinical testing. Allele origin: germline.
Comment: In summary, the available evidence is currently insufficient to determine the role of this variant in disease. Therefore, it has been classified as a Variant of Uncertain Significance. An algorithm developed to predict the effect of missense changes on protein structure and function (PolyPhen-2) suggests that this variant is likely to be disruptive. ClinVar contains an entry for this variant (Variation ID: 1901340). This variant has not been reported in the literature in individuals affected with TCF20-related conditions. This variant is not present in population databases (gnomAD no frequency). This sequence change replaces arginine, which is basic and polar, with lysine, which is basic and polar, at codon 1124 of the TCF20 protein (p.Arg1124Lys).

NM_001378418.1(TCF20):c.3371G>A (p.Arg1124Lys)

Gene: TCF20 (transcription factor 20; minus strand). Cytogenetic location: 22q13.2.
Variant type: single nucleotide variant.
Coding change: c.3371G>A on transcript NM_001378418.1 (MANE Select); coding-DNA position 3371, G replaced by A.
Protein change: p.Arg1124Lys; replaces arginine 1124 with lysine.
Molecular consequence: missense variant.
Genome position (GRCh38, 1-based): chr22:42,211,935, C>T on the plus strand (G>A on the coding strand, the complement: TCF20 is on the minus strand). VCF-style: chr22-42211935-C-T. GRCh37 (hg19) VCF-style: chr22-42607941-C-T.
Other names: c.3371G>A, p.Arg1124Lys (NM_005650.4, NM_181492.3); short protein forms R1124K.
Identifiers: ClinVar variation 1901340 (VCV001901340.5), dbSNP rs2518217000, ClinGen allele CA411786647.
Genomic context (GRCh38, chr22:42,211,935, plus strand): 5'-ATCATACCATCTTTGTCATTTTTCAGAGGGCTCCGTACTCTGTCAAGAAACTGCTGCTGC[C>T]TTGGACTCTTCCGTGGCCCCTCCTGCCTGTGCTGTGCTGCAGCAATTACTCCCTGAGCAG-3'
Protein context (NP_001365347.1, residues 1114-1134): HRQEGPRKSP[Arg1124Lys]QQQFLDRVRS